The following is an entry in ClinVar:

NM_001940.4(ATN1):c.1464GCA[23] (p.Gln502_His503insGlnGlnGlnGlnGlnGlnGlnGln)

Genes: ATN1 (atrophin 1; plus strand), LOC109461484 (atrophin 1 repeat instability region; plus strand). Cytogenetic location: 12p13.31.
Variant type: Microsatellite.
Coding change: c.1464GCA[23] on transcript NM_001940.4 (MANE Select); 23 copies in a row of the 3-base unit GCA starting at c.1464; the reference has 15 copies in a row; eight copies, 24 bases duplicated.
Protein change: p.Gln502_His503insGlnGlnGlnGlnGlnGlnGlnGln.
Molecular consequence: inframe indel (on NM_001424181.1).
Genome position (GRCh38, 1-based): chr12:6,936,752-6,936,775, GCAGCAGCAGCAGCAGCAGCAGCA duplicated; duplicating any 24 consecutive bases within chr12:6,936,729-6,936,775 gives the same sequence; the position shown is the placement nearest the transcript's 3' end. VCF-style (leftmost placement, unchanged base first): chr12-6936728-A-ACAGCAGCAGCAGCAGCAGCAGCAG. GRCh37 (hg19) VCF-style: chr12-7045891-A-ACAGCAGCAGCAGCAGCAGCAGCAG.
Other names: p.Gln495_Gln502dup; c.1464GCA[23], p.Gln502_His503insGlnGlnGlnGlnGlnGlnGlnGln (NM_001007026.2, NM_001424176.1, NM_001424177.1 and 1 more transcripts); c.1461GCA[23], p.Gln501_His502insGlnGlnGlnGlnGlnGlnGlnGln (NM_001424179.1, NM_001424180.1); c.1464_(1466_?)GCA[23], p.Gln495_His(496_?)insGlnGlnGlnGlnGlnGlnGlnGlnGlnGlnGlnGlnGlnGlnGln (NM_001424181.1); c.1461GCA[23], p.Gln494_His495insGlnGlnGlnGlnGlnGlnGlnGlnGlnGlnGlnGlnGlnGlnGln (NM_001424182.1); c.1485_1508dup (NM_001007026.2).
Identifiers: ClinVar variation 3043085 (VCV003043085.6), dbSNP rs60216939, ClinGen allele CA16619585.

ClinVar aggregate classification (germline): Benign/Likely benign. Review status: criteria provided, multiple submitters, no conflicts (2 of 4 stars). 5 submissions from 5 submitters: Benign (1); Likely benign (3). 1 of the submissions does not count toward it. Last evaluated 2025-09-10.

Conditions:
ATN1-related disorder. Also called: ATN1-related disorders; ATN1-related condition.
Congenital hypotonia, epilepsy, developmental delay, and digital anomalies (CHEDDA). Also called: ATN1-Related Neurodevelopmental Disorder. Identifiers: MedGen C5193125, MONDO:0032781, OMIM 618494.

Submissions (5):

Genomic Medicine Center of Excellence, King Faisal Specialist Hospital and Research Centre
Classification: Likely benign for Congenital hypotonia, epilepsy, developmental delay, and digital anomalies. Last evaluated: 2025-09-10. Review status: criteria provided, single submitter. Criteria: ACMG Guidelines, 2015. Collection method: clinical testing. Allele origin: germline.

Laboratory of Genetics, Children's Clinical University Hospital Latvia
Classification: Likely benign. Last evaluated: 2025-02-16. Review status: criteria provided, single submitter. Criteria: ACMG Guidelines, 2015. Collection method: clinical testing. Allele origin: germline. Affected: yes.

Mayo Clinic Laboratories, Mayo Clinic
Classification: Benign. Last evaluated: 2025-01-13. Review status: criteria provided, single submitter. Criteria: ACMG Guidelines, 2015. Collection method: clinical testing. Allele origin: germline. Observed: 1 variant allele.

Blueprint Genetics
Classification: Likely benign. Last evaluated: 2024-11-12. Review status: criteria provided, single submitter. Criteria: ACMG Guidelines, 2015. Collection method: clinical testing. Allele origin: germline.

PreventionGenetics, part of Exact Sciences
Classification: Likely benign for ATN1-related condition. Last evaluated: 2019-06-20. Review status: no assertion criteria provided. Collection method: clinical testing. Allele origin: germline. Not counted in ClinVar's aggregate classification.
Comment: This variant is classified as likely benign based on ACMG/AMP sequence variant interpretation guidelines (Richards et al. 2015 PMID: 25741868, with internal and published modifications).